The following is an entry in ClinVar:

ClinVar aggregate classification (germline): Uncertain significance (1 of 4 stars; one submission).

gnomAD v4.1: 2 of 1,602,094 alleles (0.00012%); highest among the groups gnomAD compares: South Asian, 0.0022%; no homozygotes.

Submission:

Labcorp Genetics (formerly Invitae), Labcorp
Classification: Uncertain significance. Last evaluated: 2024-09-23. Review status: criteria provided, single submitter. Criteria: Invitae Variant Classification Sherloc (09022015). Collection method: clinical testing. Allele origin: germline.
Comment: This sequence change replaces threonine, which is neutral and polar, with isoleucine, which is neutral and non-polar, at codon 5 of the SLCO5A1 protein (p.Thr5Ile). This variant is not present in population databases (gnomAD no frequency). This variant has not been reported in the literature in individuals affected with SLCO5A1-related conditions. An algorithm developed to predict the effect of missense changes on protein structure and function outputs the following: PolyPhen-2: "Benign". The isoleucine amino acid residue is found in multiple mammalian species, which suggests that this missense change does not adversely affect protein function. In summary, the available evidence is currently insufficient to determine the role of this variant in disease. Therefore, it has been classified as a Variant of Uncertain Significance.

NM_030958.3(SLCO5A1):c.14C>T (p.Thr5Ile)

Gene: SLCO5A1 (solute carrier organic anion transporter family member 5A1; minus strand). Cytogenetic location: 8q13.3.
Variant type: single nucleotide variant.
Coding change: c.14C>T on transcript NM_030958.3 (MANE Select); coding-DNA position 14, C replaced by T.
Protein change: p.Thr5Ile; replaces threonine 5 with isoleucine.
Molecular consequence: missense variant.
Genome position (GRCh38, 1-based): chr8:69,832,660, G>A on the plus strand (C>T on the coding strand, the complement: SLCO5A1 is on the minus strand). VCF-style: chr8-69832660-G-A. GRCh37 (hg19) VCF-style: chr8-70744895-G-A.
Other names: c.14C>T, p.Thr5Ile (NM_001146008.2, NM_001146009.1); short protein forms T5I.
Identifiers: ClinVar variation 3695686 (VCV003695686.2).